The following is an entry in ClinVar:

NM_005026.5(PIK3CD):c.114C>T (p.Arg38=)

Gene: PIK3CD (phosphatidylinositol-4,5-bisphosphate 3-kinase catalytic subunit delta; plus strand). Cytogenetic location: 1p36.22.
Variant type: single nucleotide variant.
Coding change: c.114C>T on transcript NM_005026.5 (MANE Select); coding-DNA position 114, C replaced by T.
Protein change: p.Arg38=; no amino-acid change (arginine 38 retained).
Molecular consequence: synonymous variant.
Genome position (GRCh38, 1-based): chr1:9,710,569, C>T. VCF-style: chr1-9710569-C-T. GRCh37 (hg19) VCF-style: chr1-9770627-C-T.
Other names: c.114C>T, p.Arg38= (NM_001350234.2, NM_001350235.1).
Identifiers: ClinVar variation 720282 (VCV000720282.19), dbSNP rs767121276, ClinGen allele CA576776.
Genomic context (GRCh38, chr1:9,710,569, plus strand): 5'-GAGCGTTGTGGTTGACTTCCTGCTGCCCACAGGGGTCTACCTGAACTTCCCTGTGTCCCG[C>T]AATGCCAACCTCAGCACCATCAAGCAGGTATGGCCTCCATCCGGTCCTCAGACCTTGGTG-3'
Protein context (NP_005017.3, residues 28-48): TGVYLNFPVS[Arg38=]NANLSTIKQL

ClinVar aggregate classification (germline): Likely benign. Review status: criteria provided, multiple submitters, no conflicts (2 of 4 stars). 3 submissions from 3 submitters: Likely benign (3). Last evaluated 2026-02-01.

Conditions:
Immunodeficiency 14 (IMD14A). Also called: Activated PI3K Delta Syndrome Type 1 (APDS1); IMMUNODEFICIENCY 14A WITH LYMPHOPROLIFERATION, AUTOSOMAL DOMINANT; ACTIVATED PI3K-DELTA SYNDROME 1; p110-DELTA-ACTIVATING MUTATION CAUSING SENESCENT T CELLS, LYMPHADENOPATHY, AND IMMUNODEFICIENCY. Identifiers: Orphanet 397596, Orphanet 693661, MedGen C5907821, MONDO:0014222, OMIM 615513.

Allele frequency attached by ClinVar (database versions not stated): gnomAD 0.00001; ExAC 0.00002; gnomAD exomes 0.00002 and 0.00003; TOPMed 0.00002.
gnomAD v4.1: 29 of 1,613,906 alleles (0.0018%); highest among the groups gnomAD compares: Admixed American, 0.0033%; no homozygotes.

Submissions (3):

CeGaT Center for Human Genetics Tuebingen
Classification: Likely benign. Last evaluated: 2026-02-01. Review status: criteria provided, single submitter. Criteria: CeGaT Center For Human Genetics Tuebingen Variant Classification Criteria Version 2. Collection method: clinical testing. Allele origin: germline. Affected: yes. Observed: 1 variant allele.
Comment: PIK3CD: BP4, BP7

Labcorp Genetics (formerly Invitae), Labcorp
Classification: Likely benign for Activated PI3K-delta syndrome. Last evaluated: 2024-12-24. Review status: criteria provided, single submitter. Criteria: Invitae Variant Classification Sherloc (09022015). Collection method: clinical testing. Allele origin: germline.

Blueprint Genetics
Classification: Likely benign. Last evaluated: 2023-05-19. Review status: criteria provided, single submitter. Criteria: ACMG Guidelines, 2015. Collection method: clinical testing. Allele origin: germline.